The following is an entry in ClinVar:

NM_022367.4(SEMA4A):c.91G>A (p.Ala31Thr)

Gene: SEMA4A (semaphorin 4A; plus strand). Cytogenetic location: 1q22.
Variant type: single nucleotide variant.
Coding change: c.91G>A on transcript NM_022367.4 (MANE Select); coding-DNA position 91, G replaced by A.
Protein change: p.Ala31Thr; replaces alanine 31 with threonine.
Molecular consequence: missense variant. On other transcripts: 5 prime UTR variant (1), intron variant (3).
Genome position (GRCh38, 1-based): chr1:156,154,669, G>A. VCF-style: chr1-156154669-G-A. GRCh37 (hg19) VCF-style: chr1-156124460-G-A.
Other names: c.91G>A, p.Ala31Thr (NM_001193300.2, NM_001193301.2, NM_001370567.1); c.-434G>A (NM_001370571.1); c.-385-1745G>A (NM_001370569.1); c.-158-1745G>A (NM_001370568.1); c.-159+905G>A (NM_001193302.2); short protein forms A31T.
Identifiers: ClinVar variation 1476141 (VCV001476141.8), dbSNP rs1463721231, ClinGen allele CA342834020.

ClinVar aggregate classification (germline): Uncertain significance (1 of 4 stars; one submission).

Allele frequency attached by ClinVar (database versions not stated): gnomAD exomes below 0.00001; TOPMed 0.00001.
gnomAD v4.1: 3 of 1,598,560 alleles (0.00019%); highest among the groups gnomAD compares: Non-Finnish European, 0.00026%; no homozygotes.

Submission:

Labcorp Genetics (formerly Invitae), Labcorp
Classification: Uncertain significance. Last evaluated: 2024-04-30. Review status: criteria provided, single submitter. Criteria: Invitae Variant Classification Sherloc (09022015). Collection method: clinical testing. Allele origin: germline.
Comment: This sequence change replaces alanine, which is neutral and non-polar, with threonine, which is neutral and polar, at codon 31 of the SEMA4A protein (p.Ala31Thr). This variant is not present in population databases (gnomAD no frequency). This variant has not been reported in the literature in individuals affected with SEMA4A-related conditions. ClinVar contains an entry for this variant (Variation ID: 1476141). Algorithms developed to predict the effect of missense changes on protein structure and function output the following: SIFT: "Not Available"; PolyPhen-2: "Benign"; Align-GVGD: "Not Available". The threonine amino acid residue is found in multiple mammalian species, which suggests that this missense change does not adversely affect protein function. In summary, the available evidence is currently insufficient to determine the role of this variant in disease. Therefore, it has been classified as a Variant of Uncertain Significance.